The following is an entry in ClinVar:

ClinVar aggregate classification (germline): Likely pathogenic (1 of 4 stars; one submission).

Conditions:
Gorlin syndrome. Also called: Basal cell nevus syndrome; Nevoid Basal Cell Carcinoma Syndrome. Identifiers: Orphanet 377, MedGen C0004779, MONDO:0007187.

Submission:

Labcorp Genetics (formerly Invitae), Labcorp
Classification: Likely pathogenic for Gorlin syndrome. Last evaluated: 2020-10-05. Review status: criteria provided, single submitter. Criteria: Invitae Variant Classification Sherloc (09022015). Collection method: clinical testing. Allele origin: germline.
Comment: In summary, the currently available evidence indicates that the variant is pathogenic, but additional data are needed to prove that conclusively. Therefore, this variant has been classified as Likely Pathogenic. Algorithms developed to predict the effect of sequence changes on RNA splicing suggest that this variant may disrupt the consensus splice site, but this prediction has not been confirmed by published transcriptional studies. Donor and acceptor splice site variants typically lead to a loss of protein function (PMID: 16199547), and loss-of-function variants in PTCH1 are known to be pathogenic (PMID: 16301862, 16419085). This sequence change affects an acceptor splice site in intron 21 of the PTCH1 gene. It is expected to disrupt RNA splicing and likely results in an absent or disrupted protein product. This variant is not present in population databases (ExAC no frequency). This variant has not been reported in the literature in individuals with PTCH1-related conditions.

Literature cited by the submitters: PubMed 16199547; PubMed 16301862; PubMed 16419085.

NM_000264.5(PTCH1):c.3550-2A>C

Gene: PTCH1 (patched 1; minus strand). Cytogenetic location: 9q22.32.
Variant type: single nucleotide variant.
Coding change: c.3550-2A>C on transcript NM_000264.5 (MANE Select); the canonical splice acceptor site of the intron before coding-DNA position 3550, A replaced by C.
Molecular consequence: splice acceptor variant.
Genome position (GRCh38, 1-based): chr9:95,449,325, T>G on the plus strand (A>C on the coding strand, the complement: PTCH1 is on the minus strand). VCF-style: chr9-95449325-T-G. GRCh37 (hg19) VCF-style: chr9-98211607-T-G.
Other names: c.3547-2A>C (NM_001083603.3); c.3352-2A>C (NM_001083602.3); c.3394-2A>C (NM_001354918.2); c.3097-2A>C (NM_001083605.3, NM_001083604.3, NM_001083606.3 and 1 more transcripts).
Identifiers: ClinVar variation 838998 (VCV000838998.12), dbSNP rs1838244368, ClinGen allele CA374111424.